The following is an entry in ClinVar:

NM_006662.3(SRCAP):c.6128-3T>C

Gene: SRCAP (Snf2 related CREBBP activator protein; plus strand). Cytogenetic location: 16p11.2.
Variant type: single nucleotide variant.
Coding change: c.6128-3T>C on transcript NM_006662.3 (MANE Select); 3 bases into the intron before coding-DNA position 6128, T replaced by C.
Molecular consequence: intron variant.
Genome position (GRCh38, 1-based): chr16:30,733,277, T>C. VCF-style: chr16-30733277-T-C. GRCh37 (hg19) VCF-style: chr16-30744598-T-C.
Identifiers: ClinVar variation 2880851 (VCV002880851.3), dbSNP rs749056402, ClinGen allele CA8012170.

ClinVar aggregate classification (germline): Uncertain significance (1 of 4 stars; one submission).

Allele frequency attached by ClinVar (database versions not stated): gnomAD exomes below 0.00001; ExAC 0.00001.
gnomAD v4.1: 5 of 1,613,478 alleles (0.00031%); highest among the groups gnomAD compares: Non-Finnish European, 0.00042%; no homozygotes.

Submission:

Labcorp Genetics (formerly Invitae), Labcorp
Classification: Uncertain significance. Last evaluated: 2023-03-26. Review status: criteria provided, single submitter. Criteria: Invitae Variant Classification Sherloc (09022015). Collection method: clinical testing. Allele origin: germline.
Comment: In summary, the available evidence is currently insufficient to determine the role of this variant in disease. Therefore, it has been classified as a Variant of Uncertain Significance. Variants that disrupt the consensus splice site are a relatively common cause of aberrant splicing (PMID: 17576681, 9536098). Algorithms developed to predict the effect of sequence changes on RNA splicing suggest that this variant is not likely to affect RNA splicing. This variant has not been reported in the literature in individuals affected with SRCAP-related conditions. This variant is present in population databases (rs749056402, gnomAD 0.0009%). This sequence change falls in intron 27 of the SRCAP gene. It does not directly change the encoded amino acid sequence of the SRCAP protein. It affects a nucleotide within the consensus splice site.

Literature cited by the submitters: PubMed 17576681; PubMed 9536098.